The following is an entry in ClinVar:

NC_000001.11:g.(?_99892422)_(99892617_?)del

Gene: AGL (amylo-alpha-1,6-glucosidase and 4-alpha-glucanotransferase; plus strand). Cytogenetic location: 1p21.2.
Variant type: Deletion.
Identifiers: ClinVar variation 832558 (VCV000832558.5).

ClinVar aggregate classification (germline): Pathogenic (1 of 4 stars; one submission).

Conditions:
Glycogen storage disease type III (GSD3). Also called: FORBES DISEASE; Cori disease. Identifiers: Orphanet 366, MedGen C0017922, MONDO:0009291, OMIM 232400.

Submission:

Labcorp Genetics (formerly Invitae), Labcorp
Classification: Pathogenic for Glycogen storage disease type III. Last evaluated: 2019-09-07. Review status: criteria provided, single submitter. Criteria: Invitae Variant Classification Sherloc (09022015). Collection method: clinical testing. Allele origin: germline.
Comment: For these reasons, this variant has been classified as Pathogenic. Loss-of-function variants in AGL are known to be pathogenic (PMID: 19299494). This variant has not been reported in the literature in individuals with AGL-related conditions. This variant is an out-of-frame deletion of the genomic region encompassing exon 24 of the AGL gene. This is expected to create a premature translational stop signal and result in an absent or disrupted protein product.

Literature cited by the submitters: PubMed 19299494.